The following is an entry in ClinVar:

NM_017780.4(CHD7):c.6199C>T (p.Gln2067Ter)

Gene: CHD7 (chromodomain helicase DNA binding protein 7; plus strand). Cytogenetic location: 8q12.2.
Variant type: single nucleotide variant.
Coding change: c.6199C>T on transcript NM_017780.4 (MANE Select); coding-DNA position 6199, C replaced by T.
Protein change: p.Gln2067Ter; replaces glutamine 2067 with a stop codon.
Molecular consequence: nonsense. On other transcripts: intron variant (1).
Genome position (GRCh38, 1-based): chr8:60,852,924, C>T. VCF-style: chr8-60852924-C-T. GRCh37 (hg19) VCF-style: chr8-61765483-C-T.
Other names: c.1717-9305C>T (NM_001316690.1); c.6199C>T (LRG_176t1); short protein forms Q2067*.
Identifiers: ClinVar variation 488803 (VCV000488803.8), dbSNP rs766862122, ClinGen allele CA371324423.

ClinVar aggregate classification (germline): Pathogenic. Review status: criteria provided, multiple submitters, no conflicts (2 of 4 stars). 6 submissions from 6 submitters: Pathogenic (5). 1 of the submissions does not count toward it. Last evaluated 2025-09-10.

Conditions:
CHARGE syndrome (CHARGE). Also called: Hittner Hirsch Kreh syndrome; CHARGE ASSOCIATION--COLOBOMA, HEART ANOMALY, CHOANAL ATRESIA, RETARDATION, GENITAL AND EAR ANOMALIES; Coloboma, heart anomaly, choanal atresia, retardation, genital and ear anomalies; CHARGE association; Hall-Hittner syndrome. Identifiers: Orphanet 138, MedGen C0265354, MONDO:0008965.

Submissions (6):

Genomic Medicine Center of Excellence, King Faisal Specialist Hospital and Research Centre
Classification: Pathogenic for CHD7-related CHARGE syndrome. Last evaluated: 2025-09-10. Review status: criteria provided, single submitter. Criteria: ACMG Guidelines, 2015. Collection method: clinical testing. Allele origin: germline.

3billion
Classification: Pathogenic for CHD7-related CHARGE syndrome. Last evaluated: 2024-10-10. Review status: criteria provided, single submitter. Criteria: ACMG Guidelines, 2015. Collection method: clinical testing. Allele origin: germline. Affected: yes.
Comment: The variant is not observed in the gnomAD v4.1.0 dataset. Predicted Consequence/Location: Stop-gained (nonsense): predicted to result in a loss or disruption of normal protein function through nonsense-mediated decay (NMD) or protein truncation. Multiple pathogenic variants are reported downstream of the variant. The variant has been reported at least twice as pathogenic with clinical assertions and evidence for the classification (ClinVar ID: VCV000488803 /PMID: 23024289). Therefore, this variant is classified as Pathogenic according to the recommendation of ACMG/AMP guideline.

Provincial Medical Genetics Program of British Columbia, University of British Columbia
Classification: Pathogenic for CHD7-related CHARGE syndrome. Last evaluated: 2022-01-01. Review status: criteria provided, single submitter. Criteria: ACMG Guidelines, 2015. Collection method: clinical testing. Allele origin: de novo. Affected: yes.

Labcorp Genetics (formerly Invitae), Labcorp
Classification: Pathogenic for CHARGE association. Last evaluated: 2018-09-07. Review status: criteria provided, single submitter. Criteria: Invitae Variant Classification Sherloc (09022015). Collection method: clinical testing. Allele origin: germline.
Comment: This sequence change creates a premature translational stop signal (p.Gln2067*) in the CHD7 gene. It is expected to result in an absent or disrupted protein product. This variant is not present in population databases (ExAC no frequency). This variant has been observed in individuals affected with CHARGE syndrome (PMID: 23024289, Invitae). ClinVar contains an entry for this variant (Variation ID: 488803). Algorithms developed to predict the effect of sequence changes on RNA splicing suggest that this variant may create or strengthen a splice site, but this prediction has not been confirmed by published transcriptional studies. Loss-of-function variants in CHD7 are known to be pathogenic (PMID: 22461308, 25077900). For these reasons, this variant has been classified as Pathogenic.

GeneDx
Classification: Pathogenic. Last evaluated: 2018-01-29. Review status: criteria provided, single submitter. Criteria: GeneDx Variant Classification (06012015). Collection method: clinical testing. Allele origin: germline. Affected: yes.
Comment: The Q2067X variant in the CHD7 gene has been reported previously in a fetus with CHARGE syndrome (Legendre et al., 2012). This variant is predicted to cause loss of normal protein function either through protein truncation or nonsense-mediated mRNA decay. The Q2067X variant is not observed in large population cohorts (Lek et al., 2016). We interpret Q2067X as a pathogenic variant.

Autoinflammatory diseases unit, CHU de Montpellier
Classification: Pathogenic for CHD7-related CHARGE syndrome. Last evaluated: 2019-10-07. Review status: no assertion criteria provided. Collection method: clinical testing. Allele origin: de novo. Affected: yes. Not counted in ClinVar's aggregate classification.

Literature cited by the submitters: PubMed 23024289 (cited by 3billion and Labcorp Genetics (formerly Invitae), Labcorp).